The following is an entry in ClinVar:

ClinVar aggregate classification (germline): Uncertain significance. Review status: criteria provided, multiple submitters, no conflicts (2 of 4 stars). 4 submissions from 4 submitters: Uncertain significance (3). 1 of the submissions does not count toward it. Last evaluated 2023-03-03.

Conditions:
Neuronal ceroid lipofuscinosis 8 (CLN8). Also called: CLN8-Related Neuronal Ceroid-Lipofuscinosis. Identifiers: Orphanet 168491, Orphanet 228354, Orphanet 79264, MedGen C1838570, MONDO:0010830, OMIM 600143.
Neuronal ceroid lipofuscinosis. Also called: Neuronal Ceroid Lipofuscinoses. Identifiers: Orphanet 216, Orphanet 79263, MedGen C0027877, MONDO:0016295. Disease mechanism: loss of function.
Inborn genetic diseases. Identifiers: MedGen C0950123, MeSH D030342.

Allele frequency attached by ClinVar (database versions not stated): gnomAD exomes below 0.00001; ExAC 0.00001; gnomAD 0.00003; TOPMed 0.00003.
gnomAD v4.1: 9 of 1,613,588 alleles (0.00056%); highest among the groups gnomAD compares: African/African-American, 0.0067%; no homozygotes.

Submissions (4):

Blueprint Genetics
Classification: Uncertain significance. Last evaluated: 2023-03-03. Review status: criteria provided, single submitter. Criteria: ACMG Guidelines, 2015. Collection method: clinical testing. Allele origin: germline.

Labcorp Genetics (formerly Invitae), Labcorp
Classification: Uncertain significance for Neuronal ceroid lipofuscinosis. Last evaluated: 2021-09-15. Review status: criteria provided, single submitter. Criteria: Invitae Variant Classification Sherloc (09022015). Collection method: clinical testing. Allele origin: germline.
Comment: This sequence change replaces threonine with methionine at codon 69 of the CLN8 protein (p.Thr69Met). The threonine residue is highly conserved and there is a moderate physicochemical difference between threonine and methionine. This variant is present in population databases (rs776409703, ExAC 0.001%). This variant has not been reported in the literature in individuals affected with CLN8-related conditions. Algorithms developed to predict the effect of missense changes on protein structure and function are either unavailable or do not agree on the potential impact of this missense change (SIFT: "Deleterious"; PolyPhen-2: "Probably Damaging"; Align-GVGD: "Class C0"). In summary, the available evidence is currently insufficient to determine the role of this variant in disease. Therefore, it has been classified as a Variant of Uncertain Significance.

Ambry Genetics
Classification: Uncertain significance for Inborn genetic diseases. Last evaluated: 2020-10-30. Review status: criteria provided, single submitter. Criteria: Ambry Variant Classification Scheme 2023. Collection method: clinical testing. Allele origin: germline.
Comment: The p.T69M variant (also known as c.206C>T), located in coding exon 1 of the CLN8 gene, results from a C to T substitution at nucleotide position 206. The threonine at codon 69 is replaced by methionine, an amino acid with similar properties. This amino acid position is highly conserved in available vertebrate species. In addition, this alteration is predicted to be deleterious by in silico analysis. Since supporting evidence is limited at this time, the clinical significance of this alteration remains unclear.

Natera, Inc.
Classification: Uncertain significance for Neuronal ceroid lipofuscinosis 8. Last evaluated: 2020-09-16. Review status: no assertion criteria provided. Collection method: clinical testing. Allele origin: germline. Not counted in ClinVar's aggregate classification.

NM_018941.4(CLN8):c.206C>T (p.Thr69Met)

Gene: CLN8 (CLN8 transmembrane ER and ERGIC protein; plus strand). Cytogenetic location: 8p23.3.
Variant type: single nucleotide variant.
Coding change: c.206C>T on transcript NM_018941.4 (MANE Select); coding-DNA position 206, C replaced by T.
Protein change: p.Thr69Met; replaces threonine 69 with methionine.
Molecular consequence: missense variant.
Genome position (GRCh38, 1-based): chr8:1,771,260, C>T. VCF-style: chr8-1771260-C-T. GRCh37 (hg19) VCF-style: chr8-1719426-C-T.
Other names: short protein forms T69M.
Identifiers: ClinVar variation 853006 (VCV000853006.8), dbSNP rs776409703, ClinGen allele CA4599225.